The following is an entry in ClinVar:

ClinVar aggregate classification (germline): Likely benign. Review status: criteria provided, multiple submitters, no conflicts (2 of 4 stars). 2 submissions from 2 submitters: Likely benign (2). Last evaluated 2024-10-21.

Allele frequency attached by ClinVar (database versions not stated): ExAC 0.00003; gnomAD 0.00004; gnomAD exomes 0.00004 and 0.00009; TOPMed 0.00005.

Submissions (2):

Labcorp Genetics (formerly Invitae), Labcorp
Classification: Likely benign. Last evaluated: 2024-10-21. Review status: criteria provided, single submitter. Criteria: Invitae Variant Classification Sherloc (09022015). Collection method: clinical testing. Allele origin: germline.

GeneDx
Classification: Likely benign. Last evaluated: 2017-07-07. Review status: criteria provided, single submitter. Criteria: GeneDx Variant Classification (06012015). Collection method: clinical testing. Allele origin: germline. Affected: yes.
Comment: This variant is considered likely benign or benign based on one or more of the following criteria: it is a conservative change, it occurs at a poorly conserved position in the protein, it is predicted to be benign by multiple in silico algorithms, and/or has population frequency not consistent with disease.

NM_006086.4(TUBB3):c.58-19del

Gene: TUBB3 (tubulin beta 3 class III; plus strand). Cytogenetic location: 16q24.3.
Variant type: Deletion.
Coding change: c.58-19del on transcript NM_006086.4 (MANE Select); 19 bases into the intron before coding-DNA position 58, one base deleted (T; older notation c.58-19delT).
Molecular consequence: intron variant.
Genome position (GRCh38, 1-based): chr16:89,932,552, T deleted. VCF-style (leftmost placement, unchanged base first): chr16-89932551-CT-C. GRCh37 (hg19) VCF-style: chr16-89998959-CT-C.
Other names: c.-159-19del (NM_001197181.2).
Identifiers: ClinVar variation 510637 (VCV000510637.4), dbSNP rs755935820, ClinGen allele CA8255929.
Genomic context (GRCh38, chr16:89,932,551, plus strand): 5'-GCTAAAAGGCTTCACAAGGGAAAGGGCCTGGCTGGGGCTATGGGCCGGTGCCGACCCCCC[CT>C]CTCCCACTTTGTTTGCAGTTCTGGGAAGTCATCAGTGATGAGCATGGCATCGACCCCAGC-3'